The following is an entry in ClinVar:

ClinVar aggregate classification (germline): Uncertain significance (1 of 4 stars; one submission).

Conditions:
Distal hereditary motor neuropathy type 2. Identifiers: Orphanet 139525, MedGen C3711384, MeSH C580044, MONDO:0015352.

Submission:

Labcorp Genetics (formerly Invitae), Labcorp
Classification: Uncertain significance for Distal hereditary motor neuropathy type 2. Last evaluated: 2022-02-18. Review status: criteria provided, single submitter. Criteria: Invitae Variant Classification Sherloc (09022015). Collection method: clinical testing. Allele origin: germline.
Comment: In summary, the available evidence is currently insufficient to determine the role of this variant in disease. Therefore, it has been classified as a Variant of Uncertain Significance. Algorithms developed to predict the effect of missense changes on protein structure and function are either unavailable or do not agree on the potential impact of this missense change (SIFT: "Deleterious"; PolyPhen-2: "Possibly Damaging"; Align-GVGD: "Class C0"). This variant has not been reported in the literature in individuals affected with FBXO38-related conditions. This variant is not present in population databases (gnomAD no frequency). This sequence change replaces methionine, which is neutral and non-polar, with leucine, which is neutral and non-polar, at codon 53 of the FBXO38 protein (p.Met53Leu).

NM_205836.3(FBXO38):c.157A>T (p.Met53Leu)

Gene: FBXO38 (F-box protein 38; plus strand). Cytogenetic location: 5q32.
Variant type: single nucleotide variant.
Coding change: c.157A>T on transcript NM_205836.3 (MANE Select); coding-DNA position 157, A replaced by T.
Protein change: p.Met53Leu; replaces methionine 53 with leucine.
Molecular consequence: missense variant.
Genome position (GRCh38, 1-based): chr5:148,399,027, A>T. VCF-style: chr5-148399027-A-T. GRCh37 (hg19) VCF-style: chr5-147778590-A-T.
Other names: c.157A>T, p.Met53Leu (NM_001271723.2, NM_030793.5); short protein forms M53L.
Identifiers: ClinVar variation 2098443 (VCV002098443.4), dbSNP rs1361110357, ClinGen allele CA361654114.